The following is an entry in ClinVar:

ClinVar aggregate classification (germline): Conflicting classifications of pathogenicity. Review status: criteria provided, conflicting classifications (1 of 4 stars). 3 submissions from 3 submitters: Uncertain significance (2); Likely benign (1). Last evaluated 2026-03-25.

Conditions:
Cardiovascular phenotype. Identifiers: MedGen CN230736.
Hypercholesterolemia, autosomal dominant, type B (FHCL2). Also called: Familial Hypercholesterolemia Type B; APOB-Related Familial Hypercholesterolemia, Autosomal Dominant; APOLIPOPROTEIN B-100, FAMILIAL LIGAND-DEFECTIVE; APOLIPOPROTEIN B-100, FAMILIAL DEFECTIVE; HYPERCHOLESTEROLEMIA, FAMILIAL, DUE TO LIGAND-DEFECTIVE APOLIPOPROTEIN B; Hyperlipoproteinemia Type IIb. Identifiers: MedGen C1704417, MONDO:0007751, OMIM 144010.
Familial hypobetalipoproteinemia 1. Also called: APOB-Related Familial Hypobetalipoproteinemia; Hypobetalipoproteinemia, normotriglyceridemic; Acanthocytosis with hypobetalipoproteinemia. Identifiers: MedGen C4551990, MONDO:0014252, OMIM 615558.

Allele frequency attached by ClinVar (database versions not stated): gnomAD exomes 0.00002 and 0.00001; TOPMed below 0.00001.
gnomAD v4.1: 9 of 1,614,112 alleles (0.00056%); highest among the groups gnomAD compares: Non-Finnish European, 0.00076%; no homozygotes.

Submissions (3):

GeneDx
Classification: Uncertain significance. Last evaluated: 2026-03-25. Review status: criteria provided, single submitter. Criteria: GeneDx Variant Classification Process June 2021. Collection method: clinical testing. Allele origin: germline.
Comment: Not observed at significant frequency in large population cohorts (gnomAD); In silico analysis supports that this missense variant has a deleterious effect on protein structure/function; Has not been previously published as pathogenic or benign to our knowledge

Ambry Genetics
Classification: Uncertain significance for Cardiovascular phenotype. Last evaluated: 2025-03-27. Review status: criteria provided, single submitter. Criteria: Ambry Variant Classification Scheme 2023. Collection method: clinical testing. Allele origin: germline.

Labcorp Genetics (formerly Invitae), Labcorp
Classification: Likely benign for Familial hypobetalipoproteinemia 1; Hypercholesterolemia, autosomal dominant, type B. Last evaluated: 2024-04-09. Review status: criteria provided, single submitter. Criteria: Invitae Variant Classification Sherloc (09022015). Collection method: clinical testing. Allele origin: germline.

NM_000384.3(APOB):c.6080C>A (p.Pro2027Gln)

Gene: APOB (apolipoprotein B; minus strand). Cytogenetic location: 2p24.1.
Variant type: single nucleotide variant.
Coding change: c.6080C>A on transcript NM_000384.3 (MANE Select); coding-DNA position 6080, C replaced by A.
Protein change: p.Pro2027Gln; replaces proline 2027 with glutamine.
Molecular consequence: missense variant.
Genome position (GRCh38, 1-based): chr2:21,010,788, G>T on the plus strand (C>A on the coding strand, the complement: APOB is on the minus strand). VCF-style: chr2-21010788-G-T. GRCh37 (hg19) VCF-style: chr2-21233660-G-T.
Other names: short protein forms P2027Q.
Identifiers: ClinVar variation 924373 (VCV000924373.9), dbSNP rs892830346, ClinGen allele CA43505779.
Genomic context (GRCh38, chr2:21,010,788, plus strand): 5'-TCAACGGCATCTCTCATCTCTAAAGCATCAATGATATTGATGGGCTCACTGAGTAAAAGT[G>T]GCACTTTAATTGGGGAGTCTAGTAGAGTTAGGTCAGCCAGAGTTCGTCCAGTAAGCTCCA-3'
Protein context (NP_000375.3, residues 2017-2037): LTLLDSPIKV[Pro2027Gln]LLLSEPINII